The following is an entry in ClinVar:

ClinVar aggregate classification (germline): Uncertain significance (1 of 4 stars; one submission).

Conditions:
Hereditary cancer-predisposing syndrome. Also called: Hereditary Cancer Syndrome; Hereditary neoplastic syndrome; Neoplastic Syndromes, Hereditary; Tumor predisposition. Identifiers: Orphanet 140162, MedGen C0027672, MeSH D009386, MONDO:0015356.

Allele frequency attached by ClinVar (database versions not stated): ExAC 0.00001; gnomAD exomes 0.00001.
gnomAD v4.1: 19 of 1,610,778 alleles (0.0012%); highest among the groups gnomAD compares: Non-Finnish European, 0.0015%; no homozygotes.

Submission:

Ambry Genetics
Classification: Uncertain significance for Hereditary cancer-predisposing syndrome. Last evaluated: 2024-03-14. Review status: criteria provided, single submitter. Criteria: Ambry Variant Classification Scheme 2023. Collection method: clinical testing. Allele origin: germline.
Comment: The p.D184G variant (also known as c.551A>G), located in coding exon 1 of the GREM1 gene, results from an A to G substitution at nucleotide position 551. The aspartic acid at codon 184 is replaced by glycine, an amino acid with similar properties. This amino acid position is conserved. In addition, the in silico prediction for this alteration is inconclusive. Since supporting evidence is limited at this time, the clinical significance of this alteration remains unclear.

NM_013372.7(GREM1):c.551A>G (p.Asp184Gly)

Gene: GREM1 (gremlin 1, DAN family BMP antagonist; plus strand). Cytogenetic location: 15q13.3.
Variant type: single nucleotide variant.
Coding change: c.551A>G on transcript NM_013372.7 (MANE Select); coding-DNA position 551, A replaced by G.
Protein change: p.Asp184Gly; replaces aspartic acid 184 with glycine.
Molecular consequence: missense variant.
Genome position (GRCh38, 1-based): chr15:32,731,241, A>G. VCF-style: chr15-32731241-A-G. GRCh37 (hg19) VCF-style: chr15-33023442-A-G.
Other names: c.341A>G, p.Asp114Gly (NM_001191322.2); c.428A>G, p.Asp143Gly (NM_001191323.2); c.551A>G, p.Asp184Gly (NM_001368719.1); short protein forms D114G, D184G, D143G.
Identifiers: ClinVar variation 1748067 (VCV001748067.2), dbSNP rs767985360, ClinGen allele CA7456183.
Genomic context (GRCh38, chr15:32,731,241, plus strand): 5'-CTACCAAGAAGAAGAGAGTCACACGTGTGAAGCAGTGTCGTTGCATATCCATCGATTTGG[A>G]TTAAGCCAAATCCAGGTGCACCCAGCATGTCCTAGGAATGCAGCCCCAGGAAGTCCCAGA-3'
Protein context (NP_037504.1, residues 174-184): KQCRCISIDL[Asp184Gly]